The following is an entry in ClinVar:

NM_004380.3(CREBBP):c.6037A>C (p.Met2013Leu)

Gene: CREBBP (CREB binding lysine acetyltransferase; minus strand). Cytogenetic location: 16p13.3.
Variant type: single nucleotide variant.
Coding change: c.6037A>C on transcript NM_004380.3 (MANE Select); coding-DNA position 6037, A replaced by C.
Protein change: p.Met2013Leu; replaces methionine 2013 with leucine.
Molecular consequence: missense variant.
Genome position (GRCh38, 1-based): chr16:3,729,010, T>G on the plus strand (A>C on the coding strand, the complement: CREBBP is on the minus strand). VCF-style: chr16-3729010-T-G. GRCh37 (hg19) VCF-style: chr16-3779011-T-G.
Other names: c.5923A>C, p.Met1975Leu (NM_001079846.1); short protein forms M1975L, M2013L.
Identifiers: ClinVar variation 3347622 (VCV003347622.1).

ClinVar aggregate classification (germline): Uncertain significance (0 of 4 stars; one submission).

Conditions:
CREBBP-related disorder. Also called: CREBBP-related condition; CREBBP-related disorders.

gnomAD v4.1: 1 of 1,592,870 alleles (0.000063%); highest among the groups gnomAD compares: Admixed American, 0.0017%; no homozygotes.

Submission:

PreventionGenetics, part of Exact Sciences
Classification: Uncertain significance for CREBBP-related condition. Last evaluated: 2024-07-11. Review status: no assertion criteria provided. Collection method: clinical testing. Allele origin: germline.
Comment: The CREBBP c.6037A>C variant is predicted to result in the amino acid substitution p.Met2013Leu. To our knowledge, this variant has not been reported in the literature. This variant is reported in 0.0031% of alleles in individuals of Latino descent in gnomAD. At this time, the clinical significance of this variant is uncertain due to the absence of conclusive functional and genetic evidence.